The following is an entry in ClinVar:

ClinVar aggregate classification (germline): Pathogenic (1 of 4 stars; one submission).

Conditions:
Neurodevelopmental disorder with impaired speech and hyperkinetic movements. Identifiers: MedGen C5193088, MONDO:0032741, OMIM 618425.

Submission:

3billion
Classification: Pathogenic for Neurodevelopmental disorder with impaired speech and hyperkinetic movements. Last evaluated: 2025-09-05. Review status: criteria provided, single submitter. Criteria: ACMG Guidelines, 2015. Collection method: clinical testing. Allele origin: germline. Affected: yes.
Comment: The variant is not observed in the gnomAD v4.1.0 dataset. Predicted Consequence/Location: Frameshift: predicted to result in a loss or disruption of normal protein function through nonsense-mediated decay (NMD) or protein truncation. Multiple pathogenic variants are reported downstream of the variant. Therefore, this variant is classified as Pathogenic according to the recommendation of ACMG/AMP guideline.

NM_001379659.1(ZNF142):c.4042dup (p.Thr1348fs)

Gene: ZNF142 (zinc finger protein 142; minus strand). Cytogenetic location: 2q35.
Variant type: Duplication.
Coding change: c.4042dup on transcript NM_001379659.1 (MANE Select); coding-DNA position 4042, one base duplicated (A; older notation c.4042dupA).
Protein change: p.Thr1348fs; shifts the reading frame from threonine 1348.
Molecular consequence: frameshift variant.
Genome position (GRCh38, 1-based): chr2:218,643,074, T duplicated on the plus strand (A on the coding strand, the reverse complement: ZNF142 is on the minus strand). VCF-style (leftmost placement, unchanged base first): chr2-218643073-G-GT. GRCh37 (hg19) VCF-style: chr2-219507796-G-GT.
Other names: c.3442dup, p.Thr1148Asnfs (NM_001105537.5, NM_001366291.3); c.2953dup, p.Thr985Asnfs (NM_001366287.3, NM_001366288.3, NM_001366289.3); c.4042dup, p.Thr1348fs (NM_001366290.3, NM_001379660.1, NM_001379661.1); c.3442dup, p.Thr1148fs (NM_001379662.1); short protein forms T1148fs, T1348fs, T985fs.
Identifiers: ClinVar variation 4856341 (VCV004856341.1).